The following is an entry in ClinVar:

ClinVar aggregate classification (germline): Uncertain significance (1 of 4 stars; one submission).

Allele frequency attached by ClinVar (database versions not stated): TOPMed below 0.00001; gnomAD 0.00001; gnomAD exomes 0.00001; ExAC 0.00002.
gnomAD v4.1: 14 of 1,614,056 alleles (0.00087%); highest among the groups gnomAD compares: Non-Finnish European, 0.0012%; no homozygotes.

Submission:

Labcorp Genetics (formerly Invitae), Labcorp
Classification: Uncertain significance. Last evaluated: 2024-10-28. Review status: criteria provided, single submitter. Criteria: Invitae Variant Classification Sherloc (09022015). Collection method: clinical testing. Allele origin: germline.
Comment: This sequence change replaces phenylalanine, which is neutral and non-polar, with leucine, which is neutral and non-polar, at codon 312 of the SLC6A19 protein (p.Phe312Leu). This variant is present in population databases (rs781694271, gnomAD 0.003%). This variant has not been reported in the literature in individuals affected with SLC6A19-related conditions. ClinVar contains an entry for this variant (Variation ID: 2169994). Invitae Evidence Modeling of protein sequence and biophysical properties (such as structural, functional, and spatial information, amino acid conservation, physicochemical variation, residue mobility, and thermodynamic stability) indicates that this missense variant is not expected to disrupt SLC6A19 protein function with a negative predictive value of 95%. In summary, the available evidence is currently insufficient to determine the role of this variant in disease. Therefore, it has been classified as a Variant of Uncertain Significance.

NM_001003841.3(SLC6A19):c.934T>C (p.Phe312Leu)

Gene: SLC6A19 (solute carrier family 6 member 19; plus strand). Cytogenetic location: 5p15.33.
Variant type: single nucleotide variant.
Coding change: c.934T>C on transcript NM_001003841.3 (MANE Select); coding-DNA position 934, T replaced by C.
Protein change: p.Phe312Leu; replaces phenylalanine 312 with leucine.
Molecular consequence: missense variant.
Genome position (GRCh38, 1-based): chr5:1,216,604, T>C. VCF-style: chr5-1216604-T-C. GRCh37 (hg19) VCF-style: chr5-1216719-T-C.
Other names: short protein forms F312L.
Identifiers: ClinVar variation 2169994 (VCV002169994.4), dbSNP rs781694271, ClinGen allele CA3182958.